The following is an entry in ClinVar:

ClinVar aggregate classification (germline): Conflicting classifications of pathogenicity. Review status: criteria provided, conflicting classifications (1 of 4 stars). 3 submissions from 3 submitters: Uncertain significance (2); Likely benign (1). Last evaluated 2022-11-03.

Conditions:
Multiple congenital anomalies-hypotonia-seizures syndrome 2 (MCAHS2). Also called: EPILEPTIC ENCEPHALOPATHY, EARLY INFANTILE, 20; GLYCOSYLPHOSPHATIDYLINOSITOL BIOSYNTHESIS DEFECT 4. Identifiers: Orphanet 300496, MedGen C3275508, MONDO:0010466, OMIM 300868.
Inborn genetic diseases. Identifiers: MedGen C0950123, MeSH D030342.

Allele frequency attached by ClinVar (database versions not stated): gnomAD exomes below 0.00001 and 0.00002; ExAC 0.00001; gnomAD 0.00002 and 0.00003; TOPMed 0.00002; 1000 Genomes Project 0.00026; 1000 Genomes Project 30x 0.00042.
gnomAD v4.1: 8 of 1,204,690 alleles (0.00066%); highest among the groups gnomAD compares: Admixed American, 0.0066%; no homozygotes.

Submissions (3):

Labcorp Genetics (formerly Invitae), Labcorp
Classification: Likely benign for Multiple congenital anomalies-hypotonia-seizures syndrome 2. Last evaluated: 2022-11-03. Review status: criteria provided, single submitter. Criteria: Invitae Variant Classification Sherloc (09022015). Collection method: clinical testing. Allele origin: germline.

GeneDx
Classification: Uncertain significance. Last evaluated: 2017-03-29. Review status: criteria provided, single submitter. Criteria: GeneDx Variant Classification (06012015). Collection method: clinical testing. Allele origin: germline. Affected: yes.
Comment: A variant of uncertain significance has been identified in the PIGA gene. The I206V variant has not been published as a pathogenic variant, nor has it been reported as a benign variant to our knowledge. The I206V variant is observed in 1/9319 (0.01%) alleles from individuals of Latino background, (Lek et al., 2016; 1000 Genomes Consortium et al., 2015; Exome Variant Server). This substitution occurs at a position that is conserved across species. However, the I206V variant is a conservative amino acid substitution, which is not likely to impact secondary protein structure as these residues share similar properties. In silico analysis is inconsistent in its predictions as to whether or not the variant is damaging to the protein structure/function. Therefore, based on the currently available information, it is unclear whether this variant is a pathogenic variant or a rare benign variant.

Ambry Genetics
Classification: Uncertain significance for Inborn genetic diseases. Last evaluated: 2016-09-13. Review status: criteria provided, single submitter. Criteria: Ambry Variant Classification Scheme 2023. Collection method: clinical testing. Allele origin: germline.
Comment: The p.I206V variant (also known as c.616A>G), located in coding exon 1 of the PIGA gene, results from an A to G substitution at nucleotide position 616. The isoleucine at codon 206 is replaced by valine, an amino acid with highly similar properties. Another variant at the same amino acid position (p.I206F) has been reported in a patient diagnosed with West syndrome with hypomyelination (Kato M et al. Neurology, 2014 May;82:1587-96). The p.I206V variant was previously reported in the SNPDatabase as rs201119959. Based on data from the 1000 Genomes Project, the G allele has an overall frequency of approximately 0% (0/503) total male alleles studied. In the NHLBI Exome Sequencing Project (ESP), this variant was not observed in 6503 samples with coverage at this position. This amino acid position is highly conserved in available vertebrate species. In addition, the in silico prediction for this alteration is inconclusive. Since supporting evidence is limited at this time, the clinical significance of this variant remains unclear.

Literature cited by the submitters: PubMed 24706016 (cited by Ambry Genetics).

NM_002641.4(PIGA):c.616A>G (p.Ile206Val)

Gene: PIGA (phosphatidylinositol glycan anchor biosynthesis class A; minus strand). Cytogenetic location: Xp22.2.
Variant type: single nucleotide variant.
Coding change: c.616A>G on transcript NM_002641.4 (MANE Select); coding-DNA position 616, A replaced by G.
Protein change: p.Ile206Val; replaces isoleucine 206 with valine.
Molecular consequence: missense variant. On other transcripts: intron variant (1).
Genome position (GRCh38, 1-based): chrX:15,331,315, T>C on the plus strand (A>G on the coding strand, the complement: PIGA is on the minus strand). VCF-style: chrX-15331315-T-C. GRCh37 (hg19) VCF-style: chrX-15349437-T-C.
Other names: c.13+4186A>G (NM_020473.3); short protein forms I206V.
Identifiers: ClinVar variation 424453 (VCV000424453.11), dbSNP rs201119959, ClinGen allele CA10354146.